The following is an entry in ClinVar:

NM_005876.5(SPEG):c.2378T>C (p.Met793Thr)

Gene: SPEG (striated muscle enriched protein kinase; plus strand). Cytogenetic location: 2q35.
Variant type: single nucleotide variant.
Coding change: c.2378T>C on transcript NM_005876.5 (MANE Select); coding-DNA position 2378, T replaced by C.
Protein change: p.Met793Thr; replaces methionine 793 with threonine.
Molecular consequence: missense variant.
Genome position (GRCh38, 1-based): chr2:219,451,745, T>C. VCF-style: chr2-219451745-T-C. GRCh37 (hg19) VCF-style: chr2-220316467-T-C.
Other names: short protein forms M793T.
Identifiers: ClinVar variation 1505050 (VCV001505050.6), dbSNP rs1042049930, ClinGen allele CA66006756.

ClinVar aggregate classification (germline): Uncertain significance (1 of 4 stars; one submission).

Allele frequency attached by ClinVar (database versions not stated): gnomAD exomes below 0.00001 and 0.00001; TOPMed below 0.00001.
gnomAD v4.1: 6 of 1,559,354 alleles (0.00038%); highest among the groups gnomAD compares: Non-Finnish European, 0.00052%; no homozygotes.

Submission:

Labcorp Genetics (formerly Invitae), Labcorp
Classification: Uncertain significance. Last evaluated: 2021-11-22. Review status: criteria provided, single submitter. Criteria: Invitae Variant Classification Sherloc (09022015). Collection method: clinical testing. Allele origin: germline.
Comment: This sequence change replaces methionine, which is neutral and non-polar, with threonine, which is neutral and polar, at codon 793 of the SPEG protein (p.Met793Thr). This variant is not present in population databases (gnomAD no frequency). In summary, the available evidence is currently insufficient to determine the role of this variant in disease. Therefore, it has been classified as a Variant of Uncertain Significance. Algorithms developed to predict the effect of missense changes on protein structure and function output the following: SIFT: "Tolerated"; PolyPhen-2: "Benign"; Align-GVGD: "Class C0". The threonine amino acid residue is found in multiple mammalian species, which suggests that this missense change does not adversely affect protein function. This variant has not been reported in the literature in individuals affected with SPEG-related conditions.